The following is an entry in ClinVar:

NM_052844.4(DYNC2I2):c.1321G>A (p.Val441Met)

Gene: DYNC2I2 (dynein 2 intermediate chain 2; minus strand). Cytogenetic location: 9q34.11.
Variant type: single nucleotide variant.
Coding change: c.1321G>A on transcript NM_052844.4 (MANE Select); coding-DNA position 1321, G replaced by A.
Protein change: p.Val441Met; replaces valine 441 with methionine.
Molecular consequence: missense variant.
Genome position (GRCh38, 1-based): chr9:128,634,277, C>T on the plus strand (G>A on the coding strand, the complement: DYNC2I2 is on the minus strand). VCF-style: chr9-128634277-C-T. GRCh37 (hg19) VCF-style: chr9-131396556-C-T.
Other names: short protein forms V441M.
Identifiers: ClinVar variation 2087832 (VCV002087832.4), dbSNP rs2542428189, ClinGen allele CA375109366.
Genomic context (GRCh38, chr9:128,634,277, plus strand): 5'-CCTTCCTACCTTTCCCAGAGGCAGCTGCAAAAACCAAGGGCCGCACTGGGGACCAGCGCA[C>T]AGCAAACAGATACTTGAGGGAGAGCTGCAGCGAAGTCAAGGGAGGGGCCTGCAGCATGGA-3'
Protein context (NP_443076.2, residues 431-451): LQLSLKYLFA[Val441Met]RWSPVRPLVF

ClinVar aggregate classification (germline): Uncertain significance (1 of 4 stars; one submission).

Conditions:
Short-rib thoracic dysplasia 11 with or without polydactyly (SRTD11). Also called: SHORT-RIB THORACIC DYSPLASIA 11 WITHOUT POLYDACTYLY. Identifiers: Orphanet 474, Orphanet 93271, MedGen C3810200, MONDO:0014287, OMIM 615633.

Submission:

Labcorp Genetics (formerly Invitae), Labcorp
Classification: Uncertain significance for Short-rib thoracic dysplasia 11 with or without polydactyly. Last evaluated: 2022-08-22. Review status: criteria provided, single submitter. Criteria: Invitae Variant Classification Sherloc (09022015). Collection method: clinical testing. Allele origin: germline.
Comment: This sequence change replaces valine, which is neutral and non-polar, with methionine, which is neutral and non-polar, at codon 441 of the WDR34 protein (p.Val441Met). This variant is not present in population databases (gnomAD no frequency). This variant has not been reported in the literature in individuals affected with WDR34-related conditions. Algorithms developed to predict the effect of missense changes on protein structure and function are either unavailable or do not agree on the potential impact of this missense change (SIFT: "Deleterious"; PolyPhen-2: "Possibly Damaging"; Align-GVGD: "Class C0"). In summary, the available evidence is currently insufficient to determine the role of this variant in disease. Therefore, it has been classified as a Variant of Uncertain Significance.